The following is an entry in ClinVar:

NM_001001411.3(ZNF676):c.690T>C (p.Cys230=)

Gene: ZNF676 (zinc finger protein 676). Cytogenetic location: 19p12.
Variant type: single nucleotide variant.
Coding change: c.690T>C on transcript NM_001001411.3 (MANE Select); coding-DNA position 690, T replaced by C.
Protein change: p.Cys230=; no amino-acid change (cysteine 230 retained).
Molecular consequence: synonymous variant.
Genome position (GRCh38, 1-based): chr19:22,181,027, A>G on the plus strand (T>C on the coding strand, the complement: ZNF676 is on the minus strand). VCF-style: chr19-22181027-A-G. GRCh37 (hg19) VCF-style: chr19-22363829-A-G.
Identifiers: ClinVar variation 2649645 (VCV002649645.24), dbSNP rs755511645, ClinGen allele CA9343230.
Genomic context (GRCh38, chr19:22,181,027, plus strand): 5'-CTCTCCAGTATGAATTATCTTATGTTTAGTAAGGATTGAGGATCGATTAAAAGCTTTGCC[A>G]CATTCTTCACATTTGTAGGGTTTCTCTCCAGTATGAATTACCTTATGTTTAGTAAGGATT-3'
Protein context (NP_001001411.2, residues 220-240): TGEKPYKCEE[Cys230=]GKAFNRSSIL

ClinVar aggregate classification (germline): Likely benign (1 of 4 stars; one submission).

Allele frequency attached by ClinVar (database versions not stated): ExAC 0.00001.

Submission:

CeGaT Center for Human Genetics Tuebingen
Classification: Likely benign. Last evaluated: 2023-09-01. Review status: criteria provided, single submitter. Criteria: CeGaT Center For Human Genetics Tuebingen Variant Classification Criteria Version 2. Collection method: clinical testing. Allele origin: germline. Affected: yes. Observed: 1 variant allele.
Comment: ZNF676: PM2:Supporting, BP4, BP7